The following is an entry in ClinVar:

ClinVar aggregate classification (germline): Uncertain significance (1 of 4 stars; one submission).

Submission:

Labcorp Genetics (formerly Invitae), Labcorp
Classification: Uncertain significance. Last evaluated: 2022-02-10. Review status: criteria provided, single submitter. Criteria: Invitae Variant Classification Sherloc (09022015). Collection method: clinical testing. Allele origin: germline.
Comment: Algorithms developed to predict the effect of missense changes on protein structure and function are either unavailable or do not agree on the potential impact of this missense change (SIFT: "Deleterious"; PolyPhen-2: "Probably Damaging"; Align-GVGD: "Class C0"). In summary, the available evidence is currently insufficient to determine the role of this variant in disease. Therefore, it has been classified as a Variant of Uncertain Significance. This variant has not been reported in the literature in individuals affected with LAMA3-related conditions. This sequence change replaces leucine, which is neutral and non-polar, with glutamine, which is neutral and polar, at codon 543 of the LAMA3 protein (p.Leu543Gln). This variant is not present in population databases (gnomAD no frequency).

NM_198129.4(LAMA3):c.6455T>A (p.Leu2152Gln)

Gene: LAMA3 (laminin subunit alpha 3; plus strand). Cytogenetic location: 18q11.2.
Variant type: single nucleotide variant.
Coding change: c.6455T>A on transcript NM_198129.4 (MANE Select); coding-DNA position 6455, T replaced by A.
Protein change: p.Leu2152Gln; replaces leucine 2152 with glutamine.
Molecular consequence: missense variant.
Genome position (GRCh38, 1-based): chr18:23,904,069, T>A. VCF-style: chr18-23904069-T-A. GRCh37 (hg19) VCF-style: chr18-21484033-T-A.
Other names: c.1628T>A, p.Leu543Gln (NM_000227.6); c.6287T>A, p.Leu2096Gln (NM_001127717.4); c.1460T>A, p.Leu487Gln (NM_001127718.4); short protein forms L2152Q, L543Q, L2096Q, L487Q.
Identifiers: ClinVar variation 2063120 (VCV002063120.4), dbSNP rs2511407520, ClinGen allele CA402050240.